The following is an entry in ClinVar:

NM_001379500.1(COL18A1):c.107-11459C>T

Gene: COL18A1 (collagen type XVIII alpha 1 chain; plus strand). Cytogenetic location: 21q22.3.
Variant type: single nucleotide variant.
Coding change: c.107-11459C>T on transcript NM_001379500.1 (MANE Select); 11459 bases into the intron before coding-DNA position 107, C replaced by T.
Molecular consequence: intron variant. On other transcripts: missense variant (1).
Genome position (GRCh38, 1-based): chr21:45,456,783, C>T. VCF-style: chr21-45456783-C-T. GRCh37 (hg19) VCF-style: chr21-46876697-C-T.
Other names: c.1253C>T, p.Ala418Val (NM_130444.3); c.646+607C>T (NM_030582.4); short protein forms A418V.
Identifiers: ClinVar variation 4980737 (VCV004980737.1).

ClinVar aggregate classification (germline): Uncertain significance (1 of 4 stars; one submission).

Conditions:
COL18A1-related disorder. Also called: COL18A1-related condition; COL18A1-related disorders.

gnomAD v4.1: 20 of 1,541,378 alleles (0.0013%); highest among the groups gnomAD compares: South Asian, 0.011%; no homozygotes.

Submission:

PreventionGenetics, part of Exact Sciences
Classification: Uncertain significance for COL18A1-related condition. Last evaluated: 2026-08-03. Review status: criteria provided, single submitter. Criteria: ACMG Guidelines, 2015. Collection method: clinical testing. Allele origin: germline.
Comment: The COL18A1 c.1253C>T variant is predicted to result in the amino acid substitution p.Ala418Val. To our knowledge, this variant has not been reported in the literature. This variant is reported in 0.0090% of alleles in individuals of South Asian descent in gnomAD. At this time, the clinical significance of this variant is uncertain due to the absence of conclusive functional and genetic evidence.